The following is an entry in ClinVar:

ClinVar aggregate classification (germline): Uncertain significance (1 of 4 stars; one submission).

Submission:

Labcorp Genetics (formerly Invitae), Labcorp
Classification: Uncertain significance. Last evaluated: 2024-06-20. Review status: criteria provided, single submitter. Criteria: Invitae Variant Classification Sherloc (09022015). Collection method: clinical testing. Allele origin: germline.
Comment: This sequence change falls in intron 7 of the CARD8 gene. It does not directly change the encoded amino acid sequence of the CARD8 protein. It affects a nucleotide within the consensus splice site. This variant is not present in population databases (gnomAD no frequency). This variant has not been reported in the literature in individuals affected with CARD8-related conditions. Variants that disrupt the consensus splice site are a relatively common cause of aberrant splicing (PMID: 17576681, 9536098). Algorithms developed to predict the effect of sequence changes on RNA splicing suggest that this variant is not likely to affect RNA splicing. In summary, the available evidence is currently insufficient to determine the role of this variant in disease. Therefore, it has been classified as a Variant of Uncertain Significance.

Literature cited by the submitters: PubMed 17576681; PubMed 9536098.

NM_001184900.3(CARD8):c.773-3C>T

Gene: CARD8 (caspase recruitment domain family member 8; minus strand). Cytogenetic location: 19q13.33.
Variant type: single nucleotide variant.
Coding change: c.773-3C>T on transcript NM_001184900.3 (MANE Select); 3 bases into the intron before coding-DNA position 773, C replaced by T.
Molecular consequence: intron variant.
Genome position (GRCh38, 1-based): chr19:48,230,703, G>A on the plus strand (C>T on the coding strand, the complement: CARD8 is on the minus strand). VCF-style: chr19-48230703-G-A. GRCh37 (hg19) VCF-style: chr19-48733960-G-A.
Other names: c.458-3C>T (NM_001351787.2, NM_001351791.2, NM_001351792.2 and 1 more transcripts); c.623-3C>T (NM_001351788.2, NM_001351789.2, NM_014959.5 and 2 more transcripts); c.437-3C>T (NM_001351786.2); c.530-3C>T (NM_001351790.2); c.773-3C>T (NM_001184902.2, NM_001351782.2, NM_001184903.1); c.458-6C>T (NM_001365950.1).
Identifiers: ClinVar variation 3648215 (VCV003648215.2).